The following is an entry in ClinVar:

NM_000152.5(GAA):c.2156C>A (p.Ala719Glu)

Gene: GAA (alpha glucosidase; plus strand). Cytogenetic location: 17q25.3.
Variant type: single nucleotide variant.
Coding change: c.2156C>A on transcript NM_000152.5 (MANE Select); coding-DNA position 2156, C replaced by A.
Protein change: p.Ala719Glu; replaces alanine 719 with glutamic acid.
Molecular consequence: missense variant.
Genome position (GRCh38, 1-based): chr17:80,113,333, C>A. VCF-style: chr17-80113333-C-A. GRCh37 (hg19) VCF-style: chr17-78087132-C-A.
Other names: c.2156C>A (LRG_673t1, NM_000152.4); c.2156C>A, p.Ala719Glu (NM_001079803.3, NM_001079804.3); short protein forms A719E.
Identifiers: ClinVar variation 194458 (VCV000194458.39), dbSNP rs146762316, ClinGen allele CA240427.
Genomic context (GRCh38, chr17:80,113,333, plus strand): 5'-TCACCCTGCGCTACGCACTCCTCCCCCACCTCTACACACTGTTCCACCAGGCCCACGTCG[C>A]GGGGGAGACCGTGGCCCGGCCCCTCTTCCTGGAGTGAGTGACCTAGGCAGGGGCGGTGGC-3'
Protein context (NP_000143.2, residues 709-729): LYTLFHQAHV[Ala719Glu]GETVARPLFL

ClinVar aggregate classification (germline): Conflicting classifications of pathogenicity. Review status: criteria provided, conflicting classifications (1 of 4 stars). 12 submissions from 12 submitters: Uncertain significance (9); Likely benign (1). 2 of the submissions do not count toward it. Last evaluated 2026-07-01.

Conditions:
Cardiovascular phenotype. Identifiers: MedGen CN230736.
GAA-related disorder. Also called: GAA-related condition.
Glycogen storage disease, type II (IOPD). Also called: GLYCOGENOSIS, GENERALIZED, CARDIAC FORM; GSD II; Glycogen storage disease type 2; Acid maltase deficiency disease; Aglucosidase alfa; Deficiency of alpha-glucosidase. Identifiers: Orphanet 365, MedGen C0017921, MONDO:0009290, OMIM 232300.

Allele frequency attached by ClinVar (database versions not stated): TOPMed 0.00014; gnomAD 0.00019; ESP Exome Variant Server 0.00054.
gnomAD v4.1: 551 of 1,594,218 alleles (0.035%); highest among the groups gnomAD compares: Non-Finnish European, 0.046%; no homozygotes.

Submissions (12):

Genomenon, Inc
Classification: Uncertain significance for Glycogen storage disease, type II. Last evaluated: 2026-07-01. Review status: criteria provided, single submitter. Criteria: Genomenon Sequence Variant Interpretation Standards - Updated. Collection method: curation. Allele origin: germline. Affected: no.
Comment: GAA p.Ala719Glu (c.2156C>A) is a missense variant that changes the amino acid at codon 719 from Alanine to Glutamic acid. This variant has been reported in the published literature (PMID:30281819). It is absent or not present at a significant frequency in gnomAD. In silico models predict that this variant is not damaging. In conclusion, we classify GAA p.Ala719Glu (c.2156C>A) as a variant of uncertain significance.

Labcorp Genetics (formerly Invitae), Labcorp
Classification: Likely benign for Glycogen storage disease, type II. Last evaluated: 2026-01-10. Review status: criteria provided, single submitter. Criteria: Invitae Variant Classification Sherloc (09022015). Collection method: clinical testing. Allele origin: germline.

GeneDx
Classification: Uncertain significance. Last evaluated: 2025-07-16. Review status: criteria provided, single submitter. Criteria: GeneDx Variant Classification Process June 2021. Collection method: clinical testing. Allele origin: germline. Affected: yes.
Comment: In silico analysis suggests that this missense variant does not alter protein structure/function; Has not been previously published as pathogenic or benign to our knowledge; This variant is associated with the following publications: (PMID: 22253258, 19343043, 30281819)

Ambry Genetics
Classification: Uncertain significance for Cardiovascular phenotype. Last evaluated: 2025-02-20. Review status: criteria provided, single submitter. Criteria: Ambry Variant Classification Scheme 2023. Collection method: clinical testing. Allele origin: germline.
Comment: The p.A719E variant (also known as c.2156C>A), located in coding exon 14 of the GAA gene, results from a C to A substitution at nucleotide position 2156. The alanine at codon 719 is replaced by glutamic acid, an amino acid with dissimilar properties. This amino acid position is poorly conserved in available vertebrate species. In addition, this alteration is predicted to be tolerated by in silico analysis. Based on the available evidence, the clinical significance of this variant remains unclear.

Mayo Clinic Laboratories, Mayo Clinic
Classification: Uncertain significance. Last evaluated: 2023-12-06. Review status: criteria provided, single submitter. Criteria: ACMG Guidelines, 2015. Collection method: clinical testing. Allele origin: germline. Observed: 1 variant allele.
Comment: PM2_moderate

Baylor Genetics
Classification: Uncertain significance for Glycogen storage disease, type II. Last evaluated: 2023-02-16. Review status: criteria provided, single submitter. Criteria: ACMG Guidelines, 2015. Collection method: clinical testing. Allele origin: unknown.

Revvity Omics, Revvity
Classification: Uncertain significance. Last evaluated: 2022-12-06. Review status: criteria provided, single submitter. Criteria: ACMG Guidelines, 2015. Collection method: clinical testing. Allele origin: germline.

Genome-Nilou Lab
Classification: Uncertain significance for Glycogen storage disease, type II. Last evaluated: 2021-07-22. Review status: criteria provided, single submitter. Criteria: ACMG Guidelines, 2015. Collection method: clinical testing. Allele origin: germline. Affected: no.

ARUP Laboratories, Molecular Genetics and Genomics, ARUP Laboratories
Classification: Uncertain significance for Glycogen storage disease, type II. Last evaluated: 2020-12-11. Review status: criteria provided, single submitter. Criteria: ARUP Molecular Germline Variant Investigation Process 2021. Collection method: clinical testing. Allele origin: germline.
Comment: The GAA c.2156C>A; p.Ala719Glu variant (rs146762316), to our knowledge, is not reported in the medical literature but is reported in ClinVar (Variation ID: 194458). This variant is found in the non-Finnish European population with an overall allele frequency of 0.03% (36/110930 alleles) in the Genome Aggregation Database. The alanine at codon 719 is weakly conserved, and computational analyses are uncertain whether this variant is neutral or deleterious (REVEL: 0.273). However, due to limited information, the clinical significance of the p.Ala719Glu variant is uncertain at this time.

Eurofins Ntd Llc (ga)
Classification: Uncertain significance. Last evaluated: 2017-03-09. Review status: criteria provided, single submitter. Criteria: EGL Classification Definitions 2015. Collection method: clinical testing. Allele origin: germline. Observed: 7 variant alleles, 7 heterozygotes.

PreventionGenetics, part of Exact Sciences
Classification: Uncertain significance for GAA-related condition. Last evaluated: 2024-08-07. Review status: no assertion criteria provided. Collection method: clinical testing. Allele origin: germline. Not counted in ClinVar's aggregate classification.
Comment: The GAA c.2156C>A variant is predicted to result in the amino acid substitution p.Ala719Glu. To our knowledge, this variant has not been reported in the literature. This variant is reported in 0.032% of alleles in individuals of European (Non-Finnish) descent in gnomAD. At this time, the clinical significance of this variant is uncertain due to the absence of conclusive functional and genetic evidence.

Natera, Inc.
Classification: Uncertain significance for Glycogen storage disease type II. Last evaluated: 2020-09-16. Review status: no assertion criteria provided. Collection method: clinical testing. Allele origin: germline. Not counted in ClinVar's aggregate classification.

Literature cited by the submitters: PubMed 30281819 (cited by Genomenon, Inc and Mayo Clinic Laboratories, Mayo Clinic); PubMed 29149851 (cited by Mayo Clinic Laboratories, Mayo Clinic); PubMed 33393119 (cited by Mayo Clinic Laboratories, Mayo Clinic).